The following is an entry in ClinVar:

ClinVar aggregate classification (germline): Pathogenic (1 of 4 stars; one submission).

Conditions:
PRPH2-related disorder. Also called: PRPH2-related condition; PRPH2-related disorders. Identifiers: MedGen CN239395.

Submission:

Labcorp Genetics (formerly Invitae), Labcorp
Classification: Pathogenic for PRPH2-related disorder. Last evaluated: 2022-10-13. Review status: criteria provided, single submitter. Criteria: Invitae Variant Classification Sherloc (09022015). Collection method: clinical testing. Allele origin: germline.
Comment: This sequence change creates a premature translational stop signal (p.Tyr234*) in the PRPH2 gene. It is expected to result in an absent or disrupted protein product. Loss-of-function variants in PRPH2 are known to be pathogenic (PMID: 8111389, 8485575, 8485576, 8675410, 16916875, 17504850, 22863181, 25675413, 26061163, 27365499, 29555955, 33546218). This variant is not present in population databases (gnomAD no frequency). This variant has not been reported in the literature in individuals affected with PRPH2-related conditions. ClinVar contains an entry for this variant (Variation ID: 1073894). For these reasons, this variant has been classified as Pathogenic.

Literature cited by the submitters: PubMed 8111389; PubMed 8485575; PubMed 8485576; PubMed 8675410; PubMed 16916875; PubMed 17504850; PubMed 22863181; PubMed 25675413; PubMed 26061163; PubMed 27365499; PubMed 29555955; PubMed 33546218.

NM_000322.5(PRPH2):c.702C>A (p.Tyr234Ter)

Gene: PRPH2 (peripherin 2; minus strand). Cytogenetic location: 6p21.1.
Variant type: single nucleotide variant.
Coding change: c.702C>A on transcript NM_000322.5 (MANE Select); coding-DNA position 702, C replaced by A.
Protein change: p.Tyr234Ter; replaces tyrosine 234 with a stop codon.
Molecular consequence: nonsense.
Genome position (GRCh38, 1-based): chr6:42,704,491, G>T on the plus strand (C>A on the coding strand, the complement: PRPH2 is on the minus strand). VCF-style: chr6-42704491-G-T. GRCh37 (hg19) VCF-style: chr6-42672229-G-T.
Other names: short protein forms Y234*.
Identifiers: ClinVar variation 1073894 (VCV001073894.8), dbSNP rs2152005280, ClinGen allele CA364135236.